The following is an entry in ClinVar:

NM_000218.3(KCNQ1):c.1514+17815T>C

Genes: KCNQ1 (potassium voltage-gated channel subfamily Q member 1; plus strand), KCNQ1OT1 (KCNQ1 opposite strand/antisense transcript 1; minus strand). Cytogenetic location: 11p15.5.
Variant type: single nucleotide variant.
Coding change: c.1514+17815T>C on transcript NM_000218.3 (MANE Select); 17815 bases into the intron after coding-DNA position 1514, T replaced by C.
Molecular consequence: intron variant. On other transcripts: non-coding transcript variant (1).
Genome position (GRCh38, 1-based): chr11:2,679,896, T>C. VCF-style: chr11-2679896-T-C. GRCh37 (hg19) VCF-style: chr11-2701126-T-C.
Other names: c.974+17815T>C (NM_001406838.1); c.1133+17815T>C (NM_181798.2); c.1244+17815T>C (NM_001406837.1); c.1418+17815T>C (NM_001406836.1).
Identifiers: ClinVar variation 2641478 (VCV002641478.24), dbSNP rs746877883, ClinGen allele CA216184132.

ClinVar aggregate classification (germline): Likely benign (1 of 4 stars; one submission).

Allele frequency attached by ClinVar (database versions not stated): gnomAD exomes 0.00055.
gnomAD v4.1: 202 of 398,062 alleles (0.051%); highest among the groups gnomAD compares: Middle Eastern, 0.38%; no homozygotes.

Submission:

CeGaT Center for Human Genetics Tuebingen
Classification: Likely benign. Last evaluated: 2025-01-01. Review status: criteria provided, single submitter. Criteria: CeGaT Center For Human Genetics Tuebingen Variant Classification Criteria Version 2. Collection method: clinical testing. Allele origin: germline. Affected: yes. Observed: 2 variant alleles.
Comment: KCNQ1OT1: BS1